The following is an entry in ClinVar:

ClinVar aggregate classification (germline): Benign (1 of 4 stars; one submission).

Conditions:
Nail-patella syndrome (NPS). Also called: FONG DISEASE; ONYCHOOSTEODYSPLASIA; TURNER-KIESER SYNDROME. Identifiers: Orphanet 2614, MedGen C0027341, MONDO:0008061, OMIM 161200.

Allele frequency attached by ClinVar (database versions not stated): gnomAD 0.00042 and 0.00046; TOPMed 0.00042; 1000 Genomes Project 30x 0.00078; 1000 Genomes Project 0.00080.

Submission:

Illumina Laboratory Services, Illumina
Classification: Benign for Nail-patella syndrome. Last evaluated: 2018-01-13. Review status: criteria provided, single submitter. Criteria: ICSL Variant Classification Criteria 13 December 2019. Collection method: clinical testing. Allele origin: germline.
Comment: This variant was observed in the ICSL laboratory as part of a predisposition screen in an ostensibly healthy population. It had not been previously curated by ICSL or reported in the Human Gene Mutation Database (HGMD: prior to June 1st, 2018), and was therefore a candidate for classification through an automated scoring system. Utilizing variant allele frequency, disease prevalence and penetrance estimates, and inheritance mode, an automated score was calculated to assess if this variant is too frequent to cause the disease. Based on the score and internal cut-off values, a variant classified as benign is not then subjected to further curation. The score for this variant resulted in a classification of benign for this disease.

NM_001174147.2(LMX1B):c.*4012C>T

Gene: LMX1B (LIM homeobox transcription factor 1 beta; plus strand). Cytogenetic location: 9q33.3.
Variant type: single nucleotide variant.
Coding change: c.*4012C>T on transcript NM_001174147.2 (MANE Select); 4012 bases downstream of the stop codon, C replaced by T.
Molecular consequence: 3 prime UTR variant.
Genome position (GRCh38, 1-based): chr9:126,700,463, C>T. VCF-style: chr9-126700463-C-T. GRCh37 (hg19) VCF-style: chr9-129462742-C-T.
Other names: c.*4012C>T (NM_001174146.2, NM_002316.4).
Identifiers: ClinVar variation 364988 (VCV000364988.5), dbSNP rs576424682, ClinGen allele CA10632342.
Genomic context (GRCh38, chr9:126,700,463, plus strand): 5'-CTGCCCCCATCTGAATGTCCTTTTCATGTTGCACGCAGGGAACCTCAGGAAGGAGGATTG[C>T]CTGATGCCTGCCTGGCTCCATCCTTGAGCTCTGGGCACCACCTAGGGTGAGGGAGAGCCT-3'